The following is an entry in ClinVar:

ClinVar aggregate classification (germline): Uncertain significance (1 of 4 stars; one submission).

Conditions:
Hypertrophic cardiomyopathy 14. Identifiers: MedGen C2750467, MONDO:0013197, OMIM 613251.

Allele frequency attached by ClinVar (database versions not stated): gnomAD exomes 0.00001.
gnomAD v4.1: 7 of 1,613,982 alleles (0.00043%); highest among the groups gnomAD compares: Non-Finnish European, 0.00059%; no homozygotes.

Submission:

Labcorp Genetics (formerly Invitae), Labcorp
Classification: Uncertain significance for Hypertrophic cardiomyopathy 14. Last evaluated: 2024-04-29. Review status: criteria provided, single submitter. Criteria: Invitae Variant Classification Sherloc (09022015). Collection method: clinical testing. Allele origin: germline.
Comment: This sequence change affects a donor splice site in intron 7 of the MYH6 gene. It is expected to disrupt RNA splicing. Variants that disrupt the donor or acceptor splice site typically lead to a loss of protein function (PMID: 16199547), however the current clinical and genetic evidence is not sufficient to establish whether loss-of-function variants in MYH6 cause disease. This variant is not present in population databases (gnomAD no frequency). Disruption of this splice site has been observed in individual(s) with MYH6-related conditions (PMID: 34328347). ClinVar contains an entry for this variant (Variation ID: 965381). Algorithms developed to predict the effect of sequence changes on RNA splicing suggest that this variant may disrupt the consensus splice site. In summary, the available evidence is currently insufficient to determine the role of this variant in disease. Therefore, it has been classified as a Variant of Uncertain Significance.

Literature cited by the submitters: PubMed 16199547; PubMed 34328347.

NM_002471.4(MYH6):c.642+1G>T

Genes: MYH6 (myosin heavy chain 6; minus strand), LOC114827851 (VISTA enhancer hs2155; plus strand). Cytogenetic location: 14q11.2.
Variant type: single nucleotide variant.
Coding change: c.642+1G>T on transcript NM_002471.4 (MANE Select); the canonical splice donor site of the intron after coding-DNA position 642, G replaced by T.
Molecular consequence: splice donor variant.
Genome position (GRCh38, 1-based): chr14:23,404,710, C>A on the plus strand (G>T on the coding strand, the complement: MYH6 is on the minus strand). VCF-style: chr14-23404710-C-A. GRCh37 (hg19) VCF-style: chr14-23873919-C-A.
Identifiers: ClinVar variation 965381 (VCV000965381.6), dbSNP rs199989693, ClinGen allele CA389029306.